The following is an entry in ClinVar:

NM_001378454.1(ALMS1):c.4642C>T (p.Leu1548Phe)

Gene: ALMS1 (ALMS1 centrosome and basal body associated protein; plus strand). Cytogenetic location: 2p13.1.
Variant type: single nucleotide variant.
Coding change: c.4642C>T on transcript NM_001378454.1 (MANE Select); coding-DNA position 4642, C replaced by T.
Protein change: p.Leu1548Phe; replaces leucine 1548 with phenylalanine.
Molecular consequence: missense variant.
Genome position (GRCh38, 1-based): chr2:73,451,169, C>T. VCF-style: chr2-73451169-C-T. GRCh37 (hg19) VCF-style: chr2-73678296-C-T.
Other names: c.4645C>T, p.Leu1549Phe (NM_015120.4); short protein forms L1548F, L1549F.
Identifiers: ClinVar variation 1431224 (VCV001431224.6), dbSNP rs2103783451, ClinGen allele CA347278969.

ClinVar aggregate classification (germline): Uncertain significance (1 of 4 stars; one submission).

Conditions:
Alstrom syndrome (ALMS). Identifiers: Orphanet 64, MedGen C0268425, MONDO:0008763, OMIM 203800.

Allele frequency attached by ClinVar (database versions not stated): gnomAD exomes 0.00001; 1000 Genomes Project 30x 0.00016.
gnomAD v4.1: 3 of 1,613,406 alleles (0.00019%); highest among the groups gnomAD compares: Non-Finnish European, 0.00025%; no homozygotes.

Submission:

Labcorp Genetics (formerly Invitae), Labcorp
Classification: Uncertain significance for Alstrom syndrome. Last evaluated: 2024-04-09. Review status: criteria provided, single submitter. Criteria: Invitae Variant Classification Sherloc (09022015). Collection method: clinical testing. Allele origin: germline.
Comment: This sequence change replaces leucine, which is neutral and non-polar, with phenylalanine, which is neutral and non-polar, at codon 1549 of the ALMS1 protein (p.Leu1549Phe). This variant is not present in population databases (gnomAD no frequency). This variant has not been reported in the literature in individuals affected with ALMS1-related conditions. ClinVar contains an entry for this variant (Variation ID: 1431224). Experimental studies and prediction algorithms are not available or were not evaluated, and the functional significance of this variant is currently unknown. In summary, the available evidence is currently insufficient to determine the role of this variant in disease. Therefore, it has been classified as a Variant of Uncertain Significance.